The following is an entry in ClinVar:

ClinVar aggregate classification (germline): Uncertain significance. Review status: criteria provided, multiple submitters, no conflicts (2 of 4 stars). 2 submissions from 2 submitters: Uncertain significance (2). Last evaluated 2021-08-27.

Conditions:
MPI-congenital disorder of glycosylation. Also called: CONGENITAL DISORDER OF GLYCOSYLATION, TYPE Ib; CDG Ib; MANNOSEPHOSPHATE ISOMERASE DEFICIENCY; MPI DEFICIENCY; PROTEIN-LOSING ENTEROPATHY-HEPATIC FIBROSIS SYNDROME; MPI-CDG. Identifiers: Orphanet 79319, MedGen C1865145, MONDO:0011257, OMIM 602579.

gnomAD v4.1: 7 of 1,614,068 alleles (0.00043%); highest among the groups gnomAD compares: Middle Eastern, 0.12%; 1 homozygote.

Submissions (2):

Labcorp Genetics (formerly Invitae), Labcorp
Classification: Uncertain significance for MPI-congenital disorder of glycosylation. Last evaluated: 2021-08-27. Review status: criteria provided, single submitter. Criteria: Invitae Variant Classification Sherloc (09022015). Collection method: clinical testing. Allele origin: germline.
Comment: Algorithms developed to predict the effect of missense changes on protein structure and function (SIFT, PolyPhen-2, Align-GVGD) all suggest that this variant is likely to be tolerated. In summary, the available evidence is currently insufficient to determine the role of this variant in disease. Therefore, it has been classified as a Variant of Uncertain Significance. This variant is not present in population databases (ExAC no frequency). ClinVar contains an entry for this variant (Variation ID: 317140). This variant has not been reported in the literature in individuals affected with MPI-related conditions. This sequence change replaces aspartic acid with glycine at codon 232 of the MPI protein (p.Asp232Gly). The aspartic acid residue is weakly conserved and there is a moderate physicochemical difference between aspartic acid and glycine.

Illumina Laboratory Services, Illumina
Classification: Uncertain significance for MPI-congenital disorder of glycosylation. Last evaluated: 2018-01-13. Review status: criteria provided, single submitter. Criteria: ICSL Variant Classification Criteria 13 December 2019. Collection method: clinical testing. Allele origin: germline.

NM_002435.3(MPI):c.695A>G (p.Asp232Gly)

Gene: MPI (mannose phosphate isomerase; plus strand). Cytogenetic location: 15q24.1.
Variant type: single nucleotide variant.
Coding change: c.695A>G on transcript NM_002435.3 (MANE Select); coding-DNA position 695, A replaced by G.
Protein change: p.Asp232Gly; replaces aspartic acid 232 with glycine.
Molecular consequence: missense variant.
Genome position (GRCh38, 1-based): chr15:74,896,176, A>G. VCF-style: chr15-74896176-A-G. GRCh37 (hg19) VCF-style: chr15-75188517-A-G.
Other names: c.695A>G, p.Asp232Gly (NM_001289155.2); c.545A>G, p.Asp182Gly (NM_001289156.2); c.512A>G, p.Asp171Gly (NM_001289157.2); c.635A>G, p.Asp212Gly (NM_001330372.2); short protein forms D232G, D171G, D182G, D212G.
Identifiers: ClinVar variation 317140 (VCV000317140.12), dbSNP rs765912695, ClinGen allele CA10647407.